The following is an entry in ClinVar:

ClinVar aggregate classification (germline): Uncertain significance (0 of 4 stars; one submission).

Conditions:
PPARG-related disorder. Also called: PPARG-related disorders; PPARG-related condition.

gnomAD v4.1: 2 of 1,614,042 alleles (0.00012%); highest among the groups gnomAD compares: African/African-American, 0.0027%; no homozygotes.

Submission:

PreventionGenetics, part of Exact Sciences
Classification: Uncertain significance for PPARG-related condition. Last evaluated: 2024-05-10. Review status: no assertion criteria provided. Collection method: clinical testing. Allele origin: germline.
Comment: The PPARG c.1106T>C variant is predicted to result in the amino acid substitution p.Ile369Thr. To our knowledge, this variant has not been reported in the literature or in a large population database, indicating this variant is rare. At this time, the clinical significance of this variant is uncertain due to the absence of conclusive functional and genetic evidence.

NM_138711.6(PPARG):c.1016T>C (p.Ile339Thr)

Gene: PPARG (peroxisome proliferator activated receptor gamma; plus strand). Cytogenetic location: 3p25.2.
Variant type: single nucleotide variant.
Coding change: c.1016T>C on transcript NM_138711.6 (MANE Select); coding-DNA position 1016, T replaced by C.
Protein change: p.Ile339Thr; replaces isoleucine 339 with threonine.
Molecular consequence: missense variant. On other transcripts: intron variant (5).
Genome position (GRCh38, 1-based): chr3:12,416,990, T>C. VCF-style: chr3-12416990-T-C. GRCh37 (hg19) VCF-style: chr3-12458489-T-C.
Other names: c.1016T>C, p.Ile339Thr (NM_001354666.3, NM_001354667.3, NM_001374263.2 and 3 more transcripts); c.389T>C, p.Ile130Thr (NM_001354669.2); c.1106T>C, p.Ile369Thr (NM_015869.5); c.729+10909T>C (NM_001374261.3, NM_001374262.3, NM_001330615.4); c.653+10991T>C (NM_001374266.1); c.819+10909T>C (NM_001374265.1); short protein forms I130T, I339T, I369T.
Identifiers: ClinVar variation 3357036 (VCV003357036.1).